The following is an entry in ClinVar:

ClinVar aggregate classification (germline): Pathogenic. Review status: reviewed by expert panel (3 of 4 stars). 4 submissions from 4 submitters: Pathogenic (1). 3 of the submissions do not count toward it. Last evaluated 2016-09-08.

Conditions:
Hereditary breast ovarian cancer syndrome. Also called: Hereditary breast and ovarian cancer syndrome (HBOC); Hereditary breast and ovarian cancer syndrome; Hereditary breast and ovarian cancer; Hereditary breast and/or ovarian cancer syndrome; Breast and ovarian cancer; BRCA1- and BRCA2-Associated Hereditary Breast and Ovarian Cancer. Identifiers: Orphanet 145, MedGen C0677776, MeSH D061325, MONDO:0003582. Disease mechanism: loss of function.
Breast-ovarian cancer, familial, susceptibility to, 1 (BROVCA1). Also called: OVARIAN CANCER, SUSCEPTIBILITY TO; BRCA1 Hereditary Breast and Ovarian Cancer. Identifiers: Orphanet 145, MedGen C2676676, MONDO:0011450, OMIM 604370. Disease mechanism: loss of function.

Submissions (4):

Evidence-based Network for the Interpretation of Germline Mutant Alleles (ENIGMA)
Classification: Pathogenic for Breast-ovarian cancer, familial, susceptibility to, 1. Last evaluated: 2016-09-08. Review status: reviewed by expert panel. Criteria: ENIGMA BRCA1/2 Classification Criteria (2015). Collection method: curation. Allele origin: germline.
Comment: Variant allele predicted to encode a truncated non-functional protein.

Labcorp Genetics (formerly Invitae), Labcorp
Classification: Pathogenic for Hereditary breast ovarian cancer syndrome. Last evaluated: 2024-08-29. Review status: criteria provided, single submitter. Criteria: Invitae Variant Classification Sherloc (09022015). Collection method: clinical testing. Allele origin: germline. Not counted in ClinVar's aggregate classification.
Comment: This sequence change creates a premature translational stop signal (p.Asp414*) in the BRCA1 gene. It is expected to result in an absent or disrupted protein product. Loss-of-function variants in BRCA1 are known to be pathogenic (PMID: 20104584). This variant is not present in population databases (gnomAD no frequency). This variant has not been reported in the literature in individuals affected with BRCA1-related conditions. ClinVar contains an entry for this variant (Variation ID: 54170). For these reasons, this variant has been classified as Pathogenic.

Baylor Genetics
Classification: Pathogenic for Breast-ovarian cancer, familial, susceptibility to, 1. Last evaluated: 2023-11-09. Review status: criteria provided, single submitter. Criteria: ACMG Guidelines, 2015. Collection method: clinical testing. Allele origin: unknown. Not counted in ClinVar's aggregate classification.

Breast Cancer Information Core (BIC) (BRCA1)
Classification: Pathogenic for Breast-ovarian cancer, familial 1. Last evaluated: 2002-05-29. Review status: no assertion criteria provided. Collection method: clinical testing. Allele origin: germline. Affected: yes. Observed: 1 variant allele. Not counted in ClinVar's aggregate classification.

Literature cited by the submitters: PubMed 20104584 (cited by Labcorp Genetics (formerly Invitae), Labcorp).

NM_007294.4(BRCA1):c.1240_1246del (p.Leu413_Asp414insTer)

Gene: BRCA1 (BRCA1 DNA repair associated; minus strand). Cytogenetic location: 17q21.31.
Variant type: Deletion.
Coding change: c.1240_1246del on transcript NM_007294.4 (MANE Select); coding-DNA positions 1240 to 1246, 7 bases deleted (GACGTTC; older notation c.1240_1246delGACGTTC).
Protein change: p.Leu413_Asp414insTer.
Molecular consequence: nonsense. On other transcripts: intron variant (137).
Genome position (GRCh38, 1-based): chr17:43,094,285-43,094,291, GAACGTC deleted on the plus strand (GACGTTC on the coding strand, the reverse complement: BRCA1 is on the minus strand). VCF-style (leftmost placement, unchanged base first): chr17-43094284-AGAACGTC-A. GRCh37 (hg19) VCF-style: chr17-41246301-AGAACGTC-A.
Other names: 1359del7; c.784+453_784+459del (NM_001408398.1, NM_001407992.1, NM_001408400.1 and 13 more transcripts); c.664+453_664+459del (NM_001408440.1, NM_001408428.1, NM_001408441.1 and 12 more transcripts); c.670+1555_670+1561del (NM_001408418.1, NM_001408423.1, NM_001408420.1 and 2 more transcripts); c.787+453_787+459del (NM_001407981.1, NM_007298.4, NM_001407978.1 and 19 more transcripts); c.643+453_643+459del (NM_001408462.1, NM_001408470.1, NM_001408464.1 and 3 more transcripts); c.709+453_709+459del (NM_001408414.1, NM_001408411.1, NM_001408415.1 and 2 more transcripts); c.577+453_577+459del (NM_001408514.1, NM_001408485.1, NM_001408483.1 and 9 more transcripts); and 41 more.
Identifiers: ClinVar variation 54170 (VCV000054170.7), dbSNP rs80357964, ClinGen allele CA000815.